The following is an entry in ClinVar:

ClinVar aggregate classification (germline): Likely pathogenic (1 of 4 stars; one submission).

Conditions:
DNAJC30-related disorder. Also called: DNAJC30-related condition.

Submission:

PreventionGenetics, part of Exact Sciences
Classification: Likely pathogenic for DNAJC30-related condition. Last evaluated: 2025-10-13. Review status: criteria provided, single submitter. Criteria: ACMG Guidelines, 2015. Collection method: clinical testing. Allele origin: germline.
Comment: The DNAJC30 c.388_389insTA variant is predicted to result in a frameshift and premature protein termination (p.Thr130Ilefs*54). To our knowledge, this variant has not been reported in the literature. This variant is absent in a large population database (gnomAD), indicating this variant is rare. Frameshift variants in DNAJC30 are an established mechanism of disease. This variant is interpreted as likely pathogenic.

NM_032317.3(DNAJC30):c.388_389insTA (p.Thr130fs)

Gene: DNAJC30 (DnaJ heat shock protein family (Hsp40) member C30; minus strand). Cytogenetic location: 7q11.23.
Variant type: Insertion.
Coding change: c.388_389insTA on transcript NM_032317.3 (MANE Select); coding-DNA positions 388 to 389, TA inserted.
Protein change: p.Thr130fs; shifts the reading frame from threonine 130.
Molecular consequence: frameshift variant.
Genome position: GRCh38 VCF-style: chr7-73683035-G-GTA. GRCh37 (hg19) VCF-style: chr7-73097365-G-GTA.
Other names: short protein forms T130fs.
Identifiers: ClinVar variation 4994028 (VCV004994028.1).